The following is an entry in ClinVar:

ClinVar aggregate classification (germline): Conflicting classifications of pathogenicity. Review status: criteria provided, conflicting classifications (1 of 4 stars). 2 submissions from 2 submitters: Uncertain significance (1); Likely benign (1). Last evaluated 2024-01-03.

Conditions:
Emery-Dreifuss muscular dystrophy 4, autosomal dominant (EDMD4). Also called: EMERY-DREIFUSS MUSCULAR DYSTROPHY 4 WITH VARIABLE FEATURES. Identifiers: Orphanet 261, MedGen C2751807, MONDO:0013071, OMIM 612998.
Autosomal recessive ataxia, Beauce type. Also called: ATAXIA, RECESSIVE, OF BEAUCE; Spinocerebellar ataxia, autosomal recessive 8; SYNE1-Related Autosomal Recessive Cerebellar Ataxia; SYNE1 Deficiency. Identifiers: Orphanet 88644, MedGen C1853116, MONDO:0012549, OMIM 610743.
SYNE1-related disorder. Also called: SYNE1-related disorders; SYNE1-related disease; SYNE1-related condition.

Allele frequency attached by ClinVar (database versions not stated): gnomAD 0.00001; gnomAD exomes 0.00001; TOPMed 0.00001.
gnomAD v4.1: 14 of 1,613,174 alleles (0.00087%); highest among the groups gnomAD compares: Non-Finnish European, 0.0011%; no homozygotes.

Submissions (2):

Labcorp Genetics (formerly Invitae), Labcorp
Classification: Likely benign for Emery-Dreifuss muscular dystrophy 4, autosomal dominant; Autosomal recessive ataxia, Beauce type. Last evaluated: 2024-01-03. Review status: criteria provided, single submitter. Criteria: Invitae Variant Classification Sherloc (09022015). Collection method: clinical testing. Allele origin: germline.

PreventionGenetics, part of Exact Sciences
Classification: Uncertain significance for SYNE1-related condition. Last evaluated: 2023-02-06. Review status: criteria provided, single submitter. Criteria: ACMG Guidelines, 2015. Collection method: clinical testing. Allele origin: germline.
Comment: The SYNE1 c.22290A>G variant is not predicted to result in an amino acid change (p.=). This variant is predicted to introduce a cryptic splice site based on splicing prediction programs. However, these prediction programs are not equivalent to functional evidence. To our knowledge, this variant has not been reported in the literature. This variant is reported in 0.0016% of alleles in individuals of European (Non-Finnish) descent in gnomAD. At this time, the clinical significance of this variant is uncertain due to the absence of conclusive functional and genetic evidence.

NM_182961.4(SYNE1):c.22503A>G (p.Gln7501=)

Gene: SYNE1 (spectrin repeat containing nuclear envelope protein 1; minus strand). Cytogenetic location: 6q25.2.
Variant type: single nucleotide variant.
Coding change: c.22503A>G on transcript NM_182961.4 (MANE Select); coding-DNA position 22503, A replaced by G.
Protein change: p.Gln7501=; no amino-acid change (glutamine 7501 retained).
Molecular consequence: synonymous variant.
Genome position (GRCh38, 1-based): chr6:152,211,580, T>C on the plus strand (A>G on the coding strand, the complement: SYNE1 is on the minus strand). VCF-style: chr6-152211580-T-C. GRCh37 (hg19) VCF-style: chr6-152532715-T-C.
Other names: c.22290A>G, p.Gln7430= (NM_033071.5).
Identifiers: ClinVar variation 2635035 (VCV002635035.4), dbSNP rs1394116781, ClinGen allele CA452748285.